The following is an entry in ClinVar:

NC_000013.11:g.32336453_32336472delinsGCA

Gene: BRCA2 (BRCA2 DNA repair associated; plus strand). Cytogenetic location: 13q13.1.
Variant type: Indel.
Genome position: GRCh38 VCF-style: chr13-32336453-TTATTTATTACCCCAGAAGC-GCA. GRCh37 (hg19) VCF-style: chr13-32910590-TTATTTATTACCCCAGAAGC-GCA.
Other names: c.2098_2117delinsGCA, p.Leu700fs (LRG_293t1).
Identifiers: ClinVar variation 462256 (VCV000462256.5), dbSNP rs1555282448, ClinGen allele CA658656356.

ClinVar aggregate classification (germline): Pathogenic (1 of 4 stars; one submission).

Conditions:
Hereditary breast ovarian cancer syndrome. Also called: Hereditary breast and ovarian cancer syndrome (HBOC); Hereditary breast and ovarian cancer syndrome; Breast and ovarian cancer; Hereditary breast and/or ovarian cancer syndrome; Hereditary breast and ovarian cancer; BRCA1- and BRCA2-Associated Hereditary Breast and Ovarian Cancer. Identifiers: Orphanet 145, MedGen C0677776, MeSH D061325, MONDO:0003582. Disease mechanism: loss of function.

Submission:

Labcorp Genetics (formerly Invitae), Labcorp
Classification: Pathogenic for Hereditary breast ovarian cancer syndrome. Last evaluated: 2017-07-19. Review status: criteria provided, single submitter. Criteria: Invitae Variant Classification Sherloc (09022015). Collection method: clinical testing. Allele origin: germline.
Comment: Loss-of-function variants in BRCA2 are known to be pathogenic (PMID: 20104584). This variant, c.2098_2117delinsGCA, is a complex sequence change that causes a frameshift at codon 700. This creates a premature translational stop signal (p.Leu700Alafs*2) and is expected to result in an absent or disrupted protein product. This variant has not been reported in the literature in individuals with BRCA2-related disease. For these reasons, this variant has been classified as Pathogenic. This variant is not present in population databases (ExAC no frequency).

Literature cited by the submitters: PubMed 20104584.